The following is an entry in ClinVar:

NM_002016.2(FLG):c.11046C>T (p.His3682=)

Genes: CCDST (cervical cancer associated DHX9 suppressive transcript; plus strand), FLG (filaggrin; minus strand). Cytogenetic location: 1q21.3.
Variant type: single nucleotide variant.
Coding change: c.11046C>T on transcript NM_002016.2 (MANE Select); coding-DNA position 11046, C replaced by T.
Protein change: p.His3682=; no amino-acid change (histidine 3682 retained).
Molecular consequence: synonymous variant.
Genome position (GRCh38, 1-based): chr1:152,303,840, G>A on the plus strand (C>T on the coding strand, the complement: FLG is on the minus strand). VCF-style: chr1-152303840-G-A. GRCh37 (hg19) VCF-style: chr1-152276316-G-A.
Identifiers: ClinVar variation 2639229 (VCV002639229.25), dbSNP rs573860455, ClinGen allele CA1103078.

ClinVar aggregate classification (germline): Likely benign. Review status: criteria provided, multiple submitters, no conflicts (2 of 4 stars). 2 submissions from 2 submitters: Likely benign (2). Last evaluated 2024-10-02.

Allele frequency attached by ClinVar (database versions not stated): gnomAD 0.00043; ExAC 0.00097; 1000 Genomes Project 30x 0.00156; 1000 Genomes Project 0.00220.

Submissions (2):

Blueprint Genetics
Classification: Likely benign. Last evaluated: 2024-10-02. Review status: criteria provided, single submitter. Criteria: ACMG Guidelines, 2015. Collection method: clinical testing. Allele origin: germline.

CeGaT Center for Human Genetics Tuebingen
Classification: Likely benign. Last evaluated: 2024-01-01. Review status: criteria provided, single submitter. Criteria: CeGaT Center For Human Genetics Tuebingen Variant Classification Criteria Version 2. Collection method: clinical testing. Allele origin: germline. Affected: yes. Observed: 2 variant alleles.
Comment: FLG: BP4, BP7